The following is an entry in ClinVar:

ClinVar aggregate classification (germline): Likely benign (0 of 4 stars; one submission).

Conditions:
PTPRJ-related disorder. Also called: PTPRJ-related condition.

Allele frequency attached by ClinVar (database versions not stated): gnomAD exomes 0.00003; gnomAD 0.00006; TOPMed 0.00009; ExAC 0.00011; 1000 Genomes Project 30x 0.00016; 1000 Genomes Project 0.00020.
gnomAD v4.1: 50 of 1,613,322 alleles (0.0031%); highest among the groups gnomAD compares: East Asian, 0.087%; no homozygotes.

Submission:

PreventionGenetics, part of Exact Sciences
Classification: Likely benign for PTPRJ-related condition. Last evaluated: 2019-08-20. Review status: no assertion criteria provided. Collection method: clinical testing. Allele origin: germline.
Comment: This variant is classified as likely benign based on ACMG/AMP sequence variant interpretation guidelines (Richards et al. 2015 PMID: 25741868, with internal and published modifications).

NM_002843.4(PTPRJ):c.2443+8A>G

Gene: PTPRJ (protein tyrosine phosphatase receptor type J; plus strand). Cytogenetic location: 11p11.2.
Variant type: single nucleotide variant.
Coding change: c.2443+8A>G on transcript NM_002843.4 (MANE Select); 8 bases into the intron after coding-DNA position 2443, A replaced by G.
Molecular consequence: intron variant.
Genome position (GRCh38, 1-based): chr11:48,139,784, A>G. VCF-style: chr11-48139784-A-G. GRCh37 (hg19) VCF-style: chr11-48161336-A-G.
Identifiers: ClinVar variation 3052870 (VCV003052870.2), dbSNP rs534721017, ClinGen allele CA5982430.
Genomic context (GRCh38, chr11:48,139,784, plus strand): 5'-CTGTGGAAAGATGGCAGCCCCCACCCGGAACACCTGCACTACTGGCATCACAGGTGGGCT[A>G]CAAGGCAGGGGCTGGTCAGTTGGCACTGTGATCACTCCTGGAGCGGCTGACCCACAGTGG-3'